The following is an entry in ClinVar:

ClinVar aggregate classification (germline): Likely benign. Review status: criteria provided, multiple submitters, no conflicts (2 of 4 stars). 4 submissions from 4 submitters: Likely benign (3). 1 of the submissions does not count toward it. Last evaluated 2025-08-01.

Conditions:
PCNT-related disorder. Also called: PCNT-related condition.

gnomAD v4.1: 52 of 1,611,372 alleles (0.0032%); highest among the groups gnomAD compares: South Asian, 0.042%; no homozygotes.

Submissions (4):

CeGaT Center for Human Genetics Tuebingen
Classification: Likely benign. Last evaluated: 2025-08-01. Review status: criteria provided, single submitter. Criteria: CeGaT Center For Human Genetics Tuebingen Variant Classification Criteria Version 2. Collection method: clinical testing. Allele origin: germline. Affected: yes. Observed: 1 variant allele.
Comment: PCNT: BP4, BP7

Labcorp Genetics (formerly Invitae), Labcorp
Classification: Likely benign. Last evaluated: 2024-03-14. Review status: criteria provided, single submitter. Criteria: Invitae Variant Classification Sherloc (09022015). Collection method: clinical testing. Allele origin: germline.

Blueprint Genetics
Classification: Likely benign. Last evaluated: 2023-12-28. Review status: criteria provided, single submitter. Criteria: ACMG Guidelines, 2015. Collection method: clinical testing. Allele origin: germline.

PreventionGenetics, part of Exact Sciences
Classification: Likely benign for PCNT-related condition. Last evaluated: 2024-02-05. Review status: no assertion criteria provided. Collection method: clinical testing. Allele origin: germline. Not counted in ClinVar's aggregate classification.
Comment: This variant is classified as likely benign based on ACMG/AMP sequence variant interpretation guidelines (Richards et al. 2015 PMID: 25741868, with internal and published modifications).

NM_006031.6(PCNT):c.6651G>A (p.Gly2217=)

Gene: PCNT (pericentrin; plus strand). Cytogenetic location: 21q22.3.
Variant type: single nucleotide variant.
Coding change: c.6651G>A on transcript NM_006031.6 (MANE Select); coding-DNA position 6651, G replaced by A.
Protein change: p.Gly2217=; no amino-acid change (glycine 2217 retained).
Molecular consequence: synonymous variant.
Genome position (GRCh38, 1-based): chr21:46,416,569, G>A. VCF-style: chr21-46416569-G-A. GRCh37 (hg19) VCF-style: chr21-47836483-G-A.
Other names: c.6297G>A, p.Gly2099= (NM_001315529.2); c.6651G>A (NM_006031.5).
Identifiers: ClinVar variation 1584051 (VCV001584051.18), dbSNP rs755119869, ClinGen allele CA10080377.